The following is an entry in ClinVar:

GRCh38/hg38 1q21.1-21.2(chr1:147029795-148483033)x1

Genes: ACP6 (acid phosphatase 6, lysophosphatidic; minus strand), BCL9 (BCL9 transcription coactivator; plus strand), CHD1L (chromodomain helicase DNA binding protein 1 like; plus strand), FMO5 (flavin containing dimethylaniline monoxygenase 5; minus strand), GJA5 (gap junction protein alpha 5; minus strand) and 53 more. Cytogenetic location: 1q21.1-21.2.
Variant type: copy number loss.
Change: copy number 1 (one copy instead of two) of chr1:147,029,795-148,483,033 (1.45 Mb, GRCh38 coordinates, 1-based), cytogenetic band 1q21.1-21.2.
Identifiers: ClinVar variation 4852035 (VCV004852035.1).

ClinVar aggregate classification (germline): Pathogenic (1 of 4 stars; one submission).

Submission:

Clinical Genomics Laboratory, Laboratory for Precision Diagnostics, University of Washington
Classification: Pathogenic. Last evaluated: 2022-04-02. Review status: criteria provided, single submitter. Criteria: ACMG/ClinGen CNV Guidelines, 2019. Collection method: clinical testing. Allele origin: unknown. Affected: yes. Observed: 1 variant allele.
Comment: This deletion is approximately 1.45 Mb in size and contains 10 protein-coding genes. The deletion consists of the distal 1q21.1 recurrent microdeletion region. This deletion has been found in some individuals with no obvious clinical differences, but others have variable findings, most commonly microcephaly, mild intellectual disability, mildly dysmorphic facial features and eye abnormalities. Congenital heart defects are found in 10-25% of people with this deletion. Other findings may include genitourinary anomalies, skeletal malformations, seizures, and psychiatric and behavioral abnormalities. In one recent study of 47 individuals with the 1q21.1 distal deletion, seizures, brain anomalies, and failure to thrive were more prevalent than previously reported (PMID: 33576134).

Literature cited by the submitters: PubMed 33576134.